The following is an entry in ClinVar:

ClinVar aggregate classification (germline): Likely benign. Review status: criteria provided, multiple submitters, no conflicts (2 of 4 stars). 3 submissions from 3 submitters: Likely benign (2). 1 of the submissions does not count toward it. Last evaluated 2025-04-30.

Conditions:
Congenital contractural arachnodactyly (CCA). Also called: BEALS SYNDROME; Beals-Hecht syndrome; Arthrogryposis, distal, type 9. Identifiers: Orphanet 115, MedGen C0220668, MONDO:0007363, OMIM 121050.
FBN2-related disorder. Also called: FBN2-related condition.

Allele frequency attached by ClinVar (database versions not stated): gnomAD 0.00001; ExAC 0.00002; TOPMed below 0.00001.
gnomAD v4.1: 10 of 1,605,058 alleles (0.00062%); highest among the groups gnomAD compares: Non-Finnish European, 0.00077%; no homozygotes.

Submissions (3):

Labcorp Genetics (formerly Invitae), Labcorp
Classification: Likely benign for Congenital contractural arachnodactyly. Last evaluated: 2025-04-30. Review status: criteria provided, single submitter. Criteria: Invitae Variant Classification Sherloc (09022015). Collection method: clinical testing. Allele origin: germline.

Blueprint Genetics
Classification: Likely benign. Last evaluated: 2024-06-06. Review status: criteria provided, single submitter. Criteria: ACMG Guidelines, 2015. Collection method: clinical testing. Allele origin: germline.

PreventionGenetics, part of Exact Sciences
Classification: Likely benign for FBN2-related condition. Last evaluated: 2020-12-22. Review status: no assertion criteria provided. Collection method: clinical testing. Allele origin: germline. Not counted in ClinVar's aggregate classification.
Comment: This variant is classified as likely benign based on ACMG/AMP sequence variant interpretation guidelines (Richards et al. 2015 PMID: 25741868, with internal and published modifications).

NM_001999.4(FBN2):c.6468A>G (p.Pro2156=)

Gene: FBN2 (fibrillin 2; minus strand). Cytogenetic location: 5q23.3.
Variant type: single nucleotide variant.
Coding change: c.6468A>G on transcript NM_001999.4 (MANE Select); coding-DNA position 6468, A replaced by G.
Protein change: p.Pro2156=; no amino-acid change (proline 2156 retained).
Molecular consequence: synonymous variant.
Genome position (GRCh38, 1-based): chr5:128,289,925, T>C on the plus strand (A>G on the coding strand, the complement: FBN2 is on the minus strand). VCF-style: chr5-128289925-T-C. GRCh37 (hg19) VCF-style: chr5-127625617-T-C.
Other names: c.6468A>G (NM_001999.3).
Identifiers: ClinVar variation 1967848 (VCV001967848.8), dbSNP rs761651783, ClinGen allele CA3394403.
Genomic context (GRCh38, chr5:128,289,925, plus strand): 5'-AATATATCAAAGCGTACCTTCACGTGTATCATGAAGACTAGGGACAGTTCCATGGCCATA[T>C]GGACACAAATCCTGAAATGCAACTACAAAGAAAAATACAAATTCTCCATTATTGAAGACT-3'
Protein context (NP_001990.2, residues 2146-2166): DDEVAFQDLC[Pro2156=]YGHGTVPSLH